The following is an entry in ClinVar:

NM_013275.6(ANKRD11):c.867C>G (p.Tyr289Ter)

Gene: ANKRD11 (ankyrin repeat domain 11; minus strand). Cytogenetic location: 16q24.3.
Variant type: single nucleotide variant.
Coding change: c.867C>G on transcript NM_013275.6 (MANE Select); coding-DNA position 867, C replaced by G.
Protein change: p.Tyr289Ter; replaces tyrosine 289 with a stop codon.
Molecular consequence: nonsense.
Genome position (GRCh38, 1-based): chr16:89,286,064, G>C on the plus strand (C>G on the coding strand, the complement: ANKRD11 is on the minus strand). VCF-style: chr16-89286064-G-C. GRCh37 (hg19) VCF-style: chr16-89352472-G-C.
Other names: NM_001256183.2:c.867C>G; c.867C>G, p.Tyr289Ter (NM_001256182.2, NM_001256183.2); short protein forms Y289*.
Identifiers: ClinVar variation 3340276 (VCV003340276.3).
Genomic context (GRCh38, chr16:89,286,064, plus strand): 5'-TAAAAGAACAGGCAGCTCAGGTGGCCGTGACTTACCCGTCGAGCTCTCCTCGCTGGAAGT[G>C]TAAGTGCCTTTGCCTAACAGGAGGTTCACCATCGTGGGGGAGTTGGCCACTTTCAGCGGC-3'

ClinVar aggregate classification (germline): Pathogenic. Review status: criteria provided, multiple submitters, no conflicts (2 of 4 stars). 3 submissions from 3 submitters: Pathogenic (3). Last evaluated 2026-03-02.

Conditions:
ANKRD11-related disorder. Also called: ANKRD11-related condition.
KBG syndrome (KBGS). Also called: ANKRD11-Related KBG Syndrome. Identifiers: Orphanet 2332, MedGen C0220687, MONDO:0007846, OMIM 148050.

Submissions (3):

Broad Center for Mendelian Genomics, Broad Institute of MIT and Harvard
Classification: Pathogenic for KBG syndrome. Last evaluated: 2026-03-02. Review status: criteria provided, single submitter. Criteria: ACMG Guidelines, 2015. Collection method: research. Allele origin: germline. Inheritance: Autosomal dominant inheritance.
Comment: The p.Tyr289Ter variant in ANKRD11 has been reported in 1 individual with KBG syndrome (PMID: 27605097), and was absent from large population studies. This variant is assumed de novo in 1 individual, but maternity and paternity have not been confirmed (PMID: 27605097). This nonsense variant leads to a premature termination codon at position 289, which is predicted to lead to a truncated or absent protein. Heterozygous loss of function of the ANKRD11 gene is an established disease mechanism in KBG syndrome. In summary, this variant meets criteria to be classified as pathogenic for autosomal dominant KBG syndrome. ACMG/AMP Criteria applied: PVS1, PM2_supporting, PM6_supporting (Richards 2015).

Blueprint Genetics
Classification: Pathogenic for ANKRD11-related disorders. Last evaluated: 2024-10-02. Review status: criteria provided, single submitter. Criteria: ACMG Guidelines, 2015. Collection method: clinical testing. Allele origin: germline. Affected: yes. Observed: 1 variant allele.

GeneDx
Classification: Pathogenic. Last evaluated: 2023-08-08. Review status: criteria provided, single submitter. Criteria: GeneDx Variant Classification Process June 2021. Collection method: clinical testing. Allele origin: germline. Affected: yes.
Comment: Nonsense variant predicted to result in protein truncation or nonsense mediated decay in a gene for which loss of function is a known mechanism of disease; Not observed at significant frequency in large population cohorts (gnomAD); This variant is associated with the following publications: (PMID: 27605097)